The following is an entry in ClinVar:

NM_024996.7(GFM1):c.2008C>T (p.Arg670Ter)

Gene: GFM1 (G elongation factor mitochondrial 1; plus strand). Cytogenetic location: 3q25.32.
Variant type: single nucleotide variant.
Coding change: c.2008C>T on transcript NM_024996.7 (MANE Select); coding-DNA position 2008, C replaced by T.
Protein change: p.Arg670Ter; replaces arginine 670 with a stop codon.
Molecular consequence: nonsense. On other transcripts: non-coding transcript variant (4).
Genome position (GRCh38, 1-based): chr3:158,690,261, C>T. VCF-style: chr3-158690261-C-T. GRCh37 (hg19) VCF-style: chr3-158408050-C-T.
Other names: c.2065C>T, p.Arg689Ter (NM_001308164.2); c.1927C>T, p.Arg643Ter (NM_001374355.1); c.1891C>T, p.Arg631Ter (NM_001374356.1); c.1783C>T, p.Arg595Ter (NM_001374357.1); c.1549C>T, p.Arg517Ter (NM_001374358.1); c.1441C>T, p.Arg481Ter (NM_001374359.1, NM_001374360.1); c.1324C>T, p.Arg442Ter (NM_001374361.1); short protein forms R442*, R595*, R670*, R689*, R517*, R643*, R481*, R631*.
Identifiers: ClinVar variation 861346 (VCV000861346.33), dbSNP rs1402362655, ClinGen allele CA355182558.

ClinVar aggregate classification (germline): Pathogenic/Likely pathogenic. Review status: criteria provided, multiple submitters, no conflicts (2 of 4 stars). 6 submissions from 6 submitters: Pathogenic (2); Likely pathogenic (3). 1 of the submissions does not count toward it. Last evaluated 2026-01-15.

Conditions:
Hepatoencephalopathy due to combined oxidative phosphorylation defect type 1. Also called: HEPATOENCEPHALOPATHY, EARLY FATAL PROGRESSIVE. Identifiers: Orphanet 137681, MedGen C1836797, MONDO:0012191, OMIM 609060.

Allele frequency attached by ClinVar (database versions not stated): gnomAD exomes below 0.00001 and 0.00001; gnomAD 0.00001; TOPMed 0.00001.
gnomAD v4.1: 14 of 1,613,570 alleles (0.00087%); highest among the groups gnomAD compares: South Asian, 0.0044%; no homozygotes.

Submissions (6):

Natera, Inc.
Classification: Likely pathogenic for Combined oxidative phosphorylation deficiency 1. Last evaluated: 2026-01-15. Review status: criteria provided, single submitter. Criteria: Natera Variant Classification Schema (03/2026). Collection method: clinical testing. Allele origin: germline.
Comment: The c.2008C>T variant in GFM1 is a nonsense variant predicted to introduce a stop codon at amino acid 670. This variant is expected to result in nonsense mediated decay, truncation, or a dysfunctional protein product. This variant is rare in the general population with a frequency below the threshold expected for the associated phenotype(s). Given the available evidence, this variant is classified as Likely Pathogenic.

Baylor Genetics
Classification: Likely pathogenic for Hepatoencephalopathy due to combined oxidative phosphorylation defect type 1. Last evaluated: 2024-03-15. Review status: criteria provided, single submitter. Criteria: ACMG Guidelines, 2015. Collection method: clinical testing. Allele origin: unknown.

Fulgent Genetics
Classification: Likely pathogenic for Hepatoencephalopathy due to combined oxidative phosphorylation defect type 1. Last evaluated: 2024-02-08. Review status: criteria provided, single submitter. Criteria: ACMG Guidelines, 2015. Collection method: clinical testing. Allele origin: germline.

Labcorp Genetics (formerly Invitae), Labcorp
Classification: Pathogenic. Last evaluated: 2023-07-31. Review status: criteria provided, single submitter. Criteria: Invitae Variant Classification Sherloc (09022015). Collection method: clinical testing. Allele origin: germline.
Comment: For these reasons, this variant has been classified as Pathogenic. This sequence change creates a premature translational stop signal (p.Arg670*) in the GFM1 gene. It is expected to result in an absent or disrupted protein product. Loss-of-function variants in GFM1 are known to be pathogenic (PMID: 16632485, 17160893). This variant is present in population databases (no rsID available, gnomAD 0.003%). This variant has not been reported in the literature in individuals affected with GFM1-related conditions. ClinVar contains an entry for this variant (Variation ID: 861346).

CeGaT Center for Human Genetics Tuebingen
Classification: Pathogenic. Last evaluated: 2022-11-01. Review status: criteria provided, single submitter. Criteria: CeGaT Center For Human Genetics Tuebingen Variant Classification Criteria Version 2. Collection method: clinical testing. Allele origin: germline. Affected: yes. Observed: 1 variant allele.
Comment: GFM1: PVS1, PM2

Zotz-Klimas Genetics Lab, MVZ Zotz Klimas
Classification: Likely pathogenic for Hepatoencephalopathy due to combined oxidative phosphorylation defect type 1. Last evaluated: 2023-10-30. Review status: no assertion criteria provided. Collection method: clinical testing. Allele origin: germline. Affected: yes. Not counted in ClinVar's aggregate classification.

Literature cited by the submitters: PubMed 16632485 (cited by Labcorp Genetics (formerly Invitae), Labcorp); PubMed 17160893 (cited by Labcorp Genetics (formerly Invitae), Labcorp).